The following is an entry in ClinVar:

ClinVar aggregate classification (germline): Uncertain significance (1 of 4 stars; one submission).

Submission:

GeneDx
Classification: Uncertain significance. Last evaluated: 2025-05-12. Review status: criteria provided, single submitter. Criteria: GeneDx Variant Classification Process June 2021. Collection method: clinical testing. Allele origin: germline. Affected: yes.
Comment: Not observed at significant frequency in large population cohorts (gnomAD); In silico analysis supports that this missense variant has a deleterious effect on protein structure/function; Has not been previously published as pathogenic or benign to our knowledge

NM_152296.5(ATP1A3):c.613A>G (p.Asn205Asp)

Gene: ATP1A3 (ATPase Na+/K+ transporting subunit alpha 3; minus strand). Cytogenetic location: 19q13.2.
Variant type: single nucleotide variant.
Coding change: c.613A>G on transcript NM_152296.5 (MANE Select); coding-DNA position 613, A replaced by G.
Protein change: p.Asn205Asp; replaces asparagine 205 with aspartic acid.
Molecular consequence: missense variant.
Genome position (GRCh38, 1-based): chr19:41,985,417, T>C on the plus strand (A>G on the coding strand, the complement: ATP1A3 is on the minus strand). VCF-style: chr19-41985417-T-C. GRCh37 (hg19) VCF-style: chr19-42489569-T-C.
Other names: c.646A>G, p.Asn216Asp (NM_001256213.2); c.652A>G, p.Asn218Asp (NM_001256214.2); short protein forms N205D, N216D, N218D.
Identifiers: ClinVar variation 4529982 (VCV004529982.1).